The following is an entry in ClinVar:

NM_000459.5(TEK):c.2976T>C (p.Tyr992=)

Gene: TEK (TEK receptor tyrosine kinase; plus strand). Cytogenetic location: 9p21.2.
Variant type: single nucleotide variant.
Coding change: c.2976T>C on transcript NM_000459.5 (MANE Select); coding-DNA position 2976, T replaced by C.
Protein change: p.Tyr992=; no amino-acid change (tyrosine 992 retained).
Molecular consequence: synonymous variant.
Genome position (GRCh38, 1-based): chr9:27,213,582, T>C. VCF-style: chr9-27213582-T-C. GRCh37 (hg19) VCF-style: chr9-27213580-T-C.
Other names: p.Tyr992=; c.2847T>C, p.Tyr949= (NM_001290077.2); c.2532T>C, p.Tyr844= (NM_001290078.2); c.2973T>C, p.Tyr991= (NM_001375475.1); c.2844T>C, p.Tyr948= (NM_001375476.1).
Identifiers: ClinVar variation 366447 (VCV000366447.32), dbSNP rs3737188, ClinGen allele CA5016640.
Genomic context (GRCh38, chr9:27,213,582, plus strand): 5'-TGGTGAAAACTATGTGGCAAAAATAGCAGATTTTGGATTGTCCCGAGGTCAAGAGGTGTA[T>C]GTGAAAAAGACAATGGTAAGTGCCAGACACAGACACTGATCGCATCCTTTCCGAGGTACT-3'
Protein context (NP_000450.3, residues 982-1002): DFGLSRGQEV[Tyr992=]VKKTMGRLPV

ClinVar aggregate classification (germline): Benign. Review status: criteria provided, multiple submitters, no conflicts (2 of 4 stars). 9 submissions from 9 submitters: Benign (7). 2 of the submissions do not count toward it. Last evaluated 2026-02-02.

Conditions:
Multiple cutaneous and mucosal venous malformations (VMCM). Also called: TEK-Related Multiple Cutaneous and Mucosal Venous Malformations (VMCM). Identifiers: Orphanet 2451, MedGen C1838437, MONDO:0010842, OMIM 600195.

Allele frequency attached by ClinVar (database versions not stated): 1000 Genomes Project 30x 0.15303; 1000 Genomes Project 0.15375; TOPMed 0.16877; gnomAD 0.17751 and 0.17767; ESP Exome Variant Server 0.17884; gnomAD exomes 0.19312 and 0.21103; ExAC 0.19369.
gnomAD v4.1: 334,646 of 1,611,766 alleles (21%); highest among the groups gnomAD compares: East Asian, 22%; 36,102 homozygotes.

Submissions (9):

Labcorp Genetics (formerly Invitae), Labcorp
Classification: Benign. Last evaluated: 2026-02-02. Review status: criteria provided, single submitter. Criteria: Invitae Variant Classification Sherloc (09022015). Collection method: clinical testing. Allele origin: germline.

ARUP Laboratories, Molecular Genetics and Genomics, ARUP Laboratories
Classification: Benign. Last evaluated: 2025-06-18. Review status: criteria provided, single submitter. Criteria: ARUP Molecular Germline Variant Investigation Process 2024. Collection method: clinical testing. Allele origin: germline.

Blueprint Genetics
Classification: Benign. Last evaluated: 2024-11-27. Review status: criteria provided, single submitter. Criteria: ACMG Guidelines, 2015. Collection method: clinical testing. Allele origin: germline.

Mayo Clinic Laboratories, Mayo Clinic
Classification: Benign. Last evaluated: 2022-04-26. Review status: criteria provided, single submitter. Criteria: ACMG Guidelines, 2015. Collection method: clinical testing. Allele origin: germline. Observed: 282 variant alleles.

GeneDx
Classification: Benign. Last evaluated: 2018-11-12. Review status: criteria provided, single submitter. Criteria: GeneDx Variant Classification Process June 2021. Collection method: clinical testing. Allele origin: germline. Affected: yes.

Illumina Laboratory Services, Illumina
Classification: Benign for Multiple cutaneous and mucosal venous malformations. Last evaluated: 2018-01-12. Review status: criteria provided, single submitter. Criteria: ICSL Variant Classification Criteria 13 December 2019. Collection method: clinical testing. Allele origin: germline.
Comment: This variant was observed in the ICSL laboratory as part of a predisposition screen in an ostensibly healthy population. It had not been previously curated by ICSL or reported in the Human Gene Mutation Database (HGMD: prior to June 1st, 2018), and was therefore a candidate for classification through an automated scoring system. Utilizing variant allele frequency, disease prevalence and penetrance estimates, and inheritance mode, an automated score was calculated to assess if this variant is too frequent to cause the disease. Based on the score and internal cut-off values, a variant classified as benign is not then subjected to further curation. The score for this variant resulted in a classification of benign for this disease.

Breakthrough Genomics
Classification: Benign. Review status: criteria provided, single submitter. Criteria: ACMG Guidelines, 2015. Collection method: not provided. Allele origin: germline. Inheritance: Autosomal dominant inheritance. Affected: yes.

Clinical Genetics, Academic Medical Center
Classification: Benign. Review status: no assertion criteria provided. Collection method: clinical testing. Allele origin: germline. Affected: yes. Study: VKGL Data-share Consensus. Not counted in ClinVar's aggregate classification.

Diagnostic Laboratory, Department of Genetics, University Medical Center Groningen
Classification: Benign for Multiple cutaneous and mucosal venous malformations. Review status: no assertion criteria provided. Collection method: clinical testing. Allele origin: germline. Affected: yes. Study: VKGL Data-share Consensus. Not counted in ClinVar's aggregate classification.